The following is an entry in ClinVar:

NM_020987.5(ANK3):c.7597G>T (p.Asp2533Tyr)

Gene: ANK3 (ankyrin 3; minus strand). Cytogenetic location: 10q21.2.
Variant type: single nucleotide variant.
Coding change: c.7597G>T on transcript NM_020987.5 (MANE Select); coding-DNA position 7597, G replaced by T.
Protein change: p.Asp2533Tyr; replaces aspartic acid 2533 with tyrosine.
Molecular consequence: missense variant. On other transcripts: intron variant (4).
Genome position (GRCh38, 1-based): chr10:60,073,284, C>A on the plus strand (G>T on the coding strand, the complement: ANK3 is on the minus strand). VCF-style: chr10-60073284-C-A. GRCh37 (hg19) VCF-style: chr10-61833042-C-A.
Other names: c.4388-5275G>T (NM_001204403.2); c.4409-5275G>T (NM_001204404.2); c.4406-5275G>T (NM_001320874.2); c.1808-5275G>T (NM_001149.4); short protein forms D2533Y.
Identifiers: ClinVar variation 4741536 (VCV004741536.1).

ClinVar aggregate classification (germline): Uncertain significance (1 of 4 stars; one submission).

Submission:

Labcorp Genetics (formerly Invitae), Labcorp
Classification: Uncertain significance. Last evaluated: 2025-03-30. Review status: criteria provided, single submitter. Criteria: Invitae Variant Classification Sherloc (09022015). Collection method: clinical testing. Allele origin: germline.
Comment: This sequence change replaces aspartic acid, which is acidic and polar, with tyrosine, which is neutral and polar, at codon 2533 of the ANK3 protein (p.Asp2533Tyr). This variant is not present in population databases (gnomAD no frequency). This variant has not been reported in the literature in individuals affected with ANK3-related conditions. Invitae Evidence Modeling of protein sequence and biophysical properties (such as structural, functional, and spatial information, amino acid conservation, physicochemical variation, residue mobility, and thermodynamic stability) indicates that this missense variant is not expected to disrupt ANK3 protein function with a negative predictive value of 80%. In summary, the available evidence is currently insufficient to determine the role of this variant in disease. Therefore, it has been classified as a Variant of Uncertain Significance.